The following is an entry in ClinVar:

NM_000350.3(ABCA4):c.505A>T (p.Lys169Ter)

Gene: ABCA4 (ATP binding cassette subfamily A member 4; minus strand). Cytogenetic location: 1p22.1.
Variant type: single nucleotide variant.
Coding change: c.505A>T on transcript NM_000350.3 (MANE Select); coding-DNA position 505, A replaced by T.
Protein change: p.Lys169Ter; replaces lysine 169 with a stop codon.
Molecular consequence: nonsense.
Genome position (GRCh38, 1-based): chr1:94,103,080, T>A on the plus strand (A>T on the coding strand, the complement: ABCA4 is on the minus strand). VCF-style: chr1-94103080-T-A. GRCh37 (hg19) VCF-style: chr1-94568636-T-A.
Other names: c.505A>T, p.Lys169Ter (NM_001425324.1); short protein forms K169*.
Identifiers: ClinVar variation 2779972 (VCV002779972.3), dbSNP rs2523980194, ClinGen allele CA341291018.
Genomic context (GRCh38, chr1:94,103,080, plus strand): 5'-CTGGACGGACTTGAGAGTTGATCAGAAGGTAGACCACTGAGTCAGACAGGCCGATGTTTT[T>A]AATGAGAAATAGTGTCAGTGTTTCTTCATCTTTCAAGATATCCCTTATTCGTATTCCTCT-3'

ClinVar aggregate classification (germline): Pathogenic (1 of 4 stars; one submission).

Submission:

Labcorp Genetics (formerly Invitae), Labcorp
Classification: Pathogenic. Last evaluated: 2023-01-20. Review status: criteria provided, single submitter. Criteria: Invitae Variant Classification Sherloc (09022015). Collection method: clinical testing. Allele origin: germline.
Comment: For these reasons, this variant has been classified as Pathogenic. This premature translational stop signal has been observed in individual(s) with cone-rod dystrophy (PMID: 33301772). This variant is not present in population databases (gnomAD no frequency). This sequence change creates a premature translational stop signal (p.Lys169*) in the ABCA4 gene. It is expected to result in an absent or disrupted protein product. Loss-of-function variants in ABCA4 are known to be pathogenic (PMID: 10958761, 24938718, 25312043, 26780318).

Literature cited by the submitters: PubMed 33301772; PubMed 10958761; PubMed 24938718; PubMed 25312043; PubMed 26780318.